The following is an entry in ClinVar:

ClinVar aggregate classification (germline): Uncertain significance (1 of 4 stars; one submission).

Submission:

Labcorp Genetics (formerly Invitae), Labcorp
Classification: Uncertain significance. Last evaluated: 2026-01-20. Review status: criteria provided, single submitter. Criteria: Invitae Variant Classification Sherloc (09022015). Collection method: clinical testing. Allele origin: germline.
Comment: This sequence change replaces asparagine, which is neutral and polar, with threonine, which is neutral and polar, at codon 614 of the CEP89 protein (p.Asn614Thr). Information on the frequency of this variant in the gnomAD database is not available, as this variant may be reported differently in the database. This variant has not been reported in the literature in individuals affected with CEP89-related conditions. An algorithm developed to predict the effect of missense changes on protein structure and function (PolyPhen-2) suggests that this variant is likely to be tolerated. In summary, the available evidence is currently insufficient to determine the role of this variant in disease. Therefore, it has been classified as a Variant of Uncertain Significance.

NM_032816.5(CEP89):c.1841_1842delinsCT (p.Asn614Thr)

Gene: CEP89 (centrosomal protein 89; minus strand). Cytogenetic location: 19q13.11.
Variant type: Indel.
Coding change: c.1841_1842delinsCT on transcript NM_032816.5 (MANE Select); coding-DNA positions 1841 to 1842, AC replaced by CT.
Protein change: p.Asn614Thr; replaces asparagine 614 with threonine.
Molecular consequence: missense variant.
Genome position (GRCh38, 1-based): chr19:32,899,890-32,899,891, GT replaced by AG on the plus strand (AC replaced by CT on the coding strand, the reverse complement: CEP89 is on the minus strand). VCF-style: chr19-32899890-GT-AG. GRCh37 (hg19) VCF-style: chr19-33390796-GT-AG.
Other names: short protein forms N614T.
Identifiers: ClinVar variation 4734247 (VCV004734247.1).
Genomic context (GRCh38, chr19:32,899,890, plus strand): 5'-ACTTGATGTAACCTTCAGGAAACTTACCAAACACATAAGACTGTCACGTTCCTGGGTTAT[GT>AG]TTTCTGCCAGGCCAACAAGGTTTGCCAGGTACTGATGAGCAGACATTTCGTTCCCCATGG-3'
Protein context (NP_116205.3, residues 604-624): YLANLVGLAE[Asn614Thr]ITQERDSLMC